The following is an entry in ClinVar:

ClinVar aggregate classification (germline): Uncertain significance. Review status: criteria provided, multiple submitters, no conflicts (2 of 4 stars). 2 submissions from 2 submitters: Uncertain significance (2). Last evaluated 2024-04-15.

Submissions (2):

Labcorp Genetics (formerly Invitae), Labcorp
Classification: Uncertain significance. Last evaluated: 2024-04-15. Review status: criteria provided, single submitter. Criteria: Invitae Variant Classification Sherloc (09022015). Collection method: clinical testing. Allele origin: germline.
Comment: This sequence change replaces cysteine, which is neutral and slightly polar, with serine, which is neutral and polar, at codon 586 of the ITGB3 protein (p.Cys586Ser). This variant is not present in population databases (gnomAD no frequency). This variant has not been reported in the literature in individuals affected with ITGB3-related conditions. Advanced modeling of protein sequence and biophysical properties (such as structural, functional, and spatial information, amino acid conservation, physicochemical variation, residue mobility, and thermodynamic stability) performed at Invitae indicates that this missense variant is expected to disrupt ITGB3 protein function with a positive predictive value of 80%. This variant disrupts the p.Cys586 amino acid residue in ITGB3. Other variant(s) that disrupt this residue have been determined to be pathogenic (PMID: 11588040, 23551977, 25806962; Invitae). This suggests that this residue is clinically significant, and that variants that disrupt this residue are likely to be disease-causing. In summary, the available evidence is currently insufficient to determine the role of this variant in disease. Therefore, it has been classified as a Variant of Uncertain Significance.

Blueprint Genetics
Classification: Uncertain significance. Last evaluated: 2021-02-15. Review status: criteria provided, single submitter. Criteria: ACMG Guidelines, 2015. Collection method: clinical testing. Allele origin: germline.

Literature cited by the submitters: PubMed 11588040 (cited by Labcorp Genetics (formerly Invitae), Labcorp); PubMed 23551977 (cited by Labcorp Genetics (formerly Invitae), Labcorp); PubMed 25806962 (cited by Labcorp Genetics (formerly Invitae), Labcorp).

NM_000212.3(ITGB3):c.1757G>C (p.Cys586Ser)

Gene: ITGB3 (integrin subunit beta 3; plus strand). Cytogenetic location: 17q21.32.
Variant type: single nucleotide variant.
Coding change: c.1757G>C on transcript NM_000212.3 (MANE Select); coding-DNA position 1757, G replaced by C.
Protein change: p.Cys586Ser; replaces cysteine 586 with serine.
Molecular consequence: missense variant.
Genome position (GRCh38, 1-based): chr17:47,299,374, G>C. VCF-style: chr17-47299374-G-C. GRCh37 (hg19) VCF-style: chr17-45376740-G-C.
Other names: short protein forms C586S.
Identifiers: ClinVar variation 2992872 (VCV002992872.4), dbSNP rs2143129874, ClinGen allele CA400032480.